The following is an entry in ClinVar:

NM_033394.3(TANC1):c.3171C>T (p.Val1057=)

Gene: TANC1 (tetratricopeptide repeat, ankyrin repeat and coiled-coil containing 1; plus strand). Cytogenetic location: 2q24.2.
Variant type: single nucleotide variant.
Coding change: c.3171C>T on transcript NM_033394.3 (MANE Select); coding-DNA position 3171, C replaced by T.
Protein change: p.Val1057=; no amino-acid change (valine 1057 retained).
Molecular consequence: synonymous variant.
Genome position (GRCh38, 1-based): chr2:159,198,980, C>T. VCF-style: chr2-159198980-C-T. GRCh37 (hg19) VCF-style: chr2-160055491-C-T.
Other names: c.3147C>T, p.Val1049= (NM_001145909.2); c.2568C>T, p.Val856= (NM_001350062.2); c.2802C>T, p.Val934= (NM_001350063.2); c.3150C>T, p.Val1050= (NM_001350064.2, NM_001350065.2).
Identifiers: ClinVar variation 3067311 (VCV003067311.21), dbSNP rs749499631, ClinGen allele CA1922537.

ClinVar aggregate classification (germline): Likely benign (1 of 4 stars; one submission).

Allele frequency attached by ClinVar (database versions not stated): gnomAD exomes below 0.00001; ExAC 0.00001; gnomAD 0.00001; TOPMed 0.00001.
gnomAD v4.1: 8 of 1,613,564 alleles (0.0005%); highest among the groups gnomAD compares: African/African-American, 0.0013%; no homozygotes.

Submission:

CeGaT Center for Human Genetics Tuebingen
Classification: Likely benign. Last evaluated: 2024-03-01. Review status: criteria provided, single submitter. Criteria: CeGaT Center For Human Genetics Tuebingen Variant Classification Criteria Version 2. Collection method: clinical testing. Allele origin: germline. Affected: yes. Observed: 1 variant allele.
Comment: TANC1: BP4